The following is an entry in ClinVar:

NM_003978.5(PSTPIP1):c.604C>T (p.Arg202Trp)

Gene: PSTPIP1 (proline-serine-threonine phosphatase interacting protein 1; plus strand). Cytogenetic location: 15q24.3.
Variant type: single nucleotide variant.
Coding change: c.604C>T on transcript NM_003978.5 (MANE Select); coding-DNA position 604, C replaced by T.
Protein change: p.Arg202Trp; replaces arginine 202 with tryptophan.
Molecular consequence: missense variant.
Genome position (GRCh38, 1-based): chr15:77,030,543, C>T. VCF-style: chr15-77030543-C-T. GRCh37 (hg19) VCF-style: chr15-77322884-C-T.
Other names: c.604C>T, p.Arg202Trp (NM_001321135.2); c.577C>T, p.Arg193Trp (NM_001321136.2); c.799C>T, p.Arg267Trp (NM_001321137.1); c.604C>T (LRG_172t1); short protein forms R202W, R267W, R193W.
Identifiers: ClinVar variation 573686 (VCV000573686.8), dbSNP rs781549267, ClinGen allele CA7675898.

ClinVar aggregate classification (germline): Uncertain significance. Review status: criteria provided, multiple submitters, no conflicts (2 of 4 stars). 2 submissions from 2 submitters: Uncertain significance (2). Last evaluated 2023-08-04.

Conditions:
Pyogenic arthritis-pyoderma gangrenosum-acne syndrome (PAPA). Also called: FAMILIAL RECURRENT ARTHRITIS; PAPA SYNDROME. Identifiers: Orphanet 69126, MedGen C1858361, MONDO:0011462, OMIM 604416.

Allele frequency attached by ClinVar (database versions not stated): gnomAD 0.00001; gnomAD exomes 0.00001; TOPMed 0.00001; ExAC 0.00002.

Submissions (2):

Labcorp Genetics (formerly Invitae), Labcorp
Classification: Uncertain significance for Pyogenic arthritis-pyoderma gangrenosum-acne syndrome. Last evaluated: 2023-08-04. Review status: criteria provided, single submitter. Criteria: Invitae Variant Classification Sherloc (09022015). Collection method: clinical testing. Allele origin: germline.
Comment: This variant has not been reported in the literature in individuals affected with PSTPIP1-related conditions. ClinVar contains an entry for this variant (Variation ID: 573686). Advanced modeling of protein sequence and biophysical properties (such as structural, functional, and spatial information, amino acid conservation, physicochemical variation, residue mobility, and thermodynamic stability) performed at Invitae indicates that this missense variant is expected to disrupt PSTPIP1 protein function. In summary, the available evidence is currently insufficient to determine the role of this variant in disease. Therefore, it has been classified as a Variant of Uncertain Significance. This variant is present in population databases (rs781549267, gnomAD 0.01%). This sequence change replaces arginine, which is basic and polar, with tryptophan, which is neutral and slightly polar, at codon 202 of the PSTPIP1 protein (p.Arg202Trp).

Blueprint Genetics
Classification: Uncertain significance. Last evaluated: 2022-04-21. Review status: criteria provided, single submitter. Criteria: ACMG Guidelines, 2015. Collection method: clinical testing. Allele origin: germline.